The following is an entry in ClinVar:

ClinVar aggregate classification (germline): Uncertain significance (1 of 4 stars; one submission).

Submission:

Quest Diagnostics Nichols Institute San Juan Capistrano
Classification: Uncertain significance. Last evaluated: 2025-10-17. Review status: criteria provided, single submitter. Criteria: Quest Diagnostics criteria. Collection method: clinical testing. Allele origin: unknown.
Comment: The FANCA c.2853-10_2853-9delinsTT variant has not been reported in individuals with FANCA-related conditions in the published literature. This variant also has not been reported in large, multi-ethnic general populations (Genome Aggregation Database). Analysis of this variant using software algorithms for the prediction of the effect of nucleotide changes on splicing yielded predictions that this variant does not affect FANCA mRNA splicing. Based on the available information, we are unable to determine the clinical significance of this variant.

NM_000135.4(FANCA):c.2853-10_2853-9delinsTT

Gene: FANCA (FA complementation group A; minus strand). Cytogenetic location: 16q24.3.
Variant type: Indel.
Coding change: c.2853-10_2853-9delinsTT on transcript NM_000135.4 (MANE Select); 10 bases into the intron before coding-DNA position 2853 through 9 bases into the intron before coding-DNA position 2853, GC replaced by TT.
Molecular consequence: intron variant.
Genome position (GRCh38, 1-based): chr16:89,758,714-89,758,715, GC replaced by AA on the plus strand (GC replaced by TT on the coding strand, the reverse complement: FANCA is on the minus strand). VCF-style: chr16-89758714-GC-AA. GRCh37 (hg19) VCF-style: chr16-89825122-GC-AA.
Other names: c.2853-10_2853-9delinsTT (NM_001286167.3).
Identifiers: ClinVar variation 4532869 (VCV004532869.1).